The following is an entry in ClinVar:

NM_183075.3(CYP2U1):c.472A>C (p.Ile158Leu)

Genes: CYP2U1 (cytochrome P450 family 2 subfamily U member 1; plus strand), CYP2U1-AS1 (CYP2U1 and SGMS2 antisense RNA 1; minus strand), LOC129992929 (ATAC-STARR-seq lymphoblastoid active region 21791; plus strand). Cytogenetic location: 4q25.
Variant type: single nucleotide variant.
Coding change: c.472A>C on transcript NM_183075.3 (MANE Select); coding-DNA position 472, A replaced by C.
Protein change: p.Ile158Leu; replaces isoleucine 158 with leucine.
Molecular consequence: missense variant. On other transcripts: non-coding transcript variant (1).
Genome position (GRCh38, 1-based): chr4:107,932,115, A>C. VCF-style: chr4-107932115-A-C. GRCh37 (hg19) VCF-style: chr4-108853271-A-C.
Other names: c.472A>C (NM_183075.2); short protein forms I158L.
Identifiers: ClinVar variation 1042063 (VCV001042063.6), dbSNP rs1459143146, ClinGen allele CA357833403.

ClinVar aggregate classification (germline): Uncertain significance. Review status: criteria provided, multiple submitters, no conflicts (2 of 4 stars). 2 submissions from 2 submitters: Uncertain significance (2). Last evaluated 2024-08-05.

Conditions:
Spastic paraplegia. Identifiers: MedGen C0037772, HP:0001258.
Inborn genetic diseases. Identifiers: MedGen C0950123, MeSH D030342.

Allele frequency attached by ClinVar (database versions not stated): gnomAD 0.00001; gnomAD exomes 0.00001; TOPMed 0.00001.
gnomAD v4.1: 5 of 1,603,788 alleles (0.00031%); highest among the groups gnomAD compares: Non-Finnish European, 0.00043%; no homozygotes.

Submissions (2):

Ambry Genetics
Classification: Uncertain significance for Inborn genetic diseases. Last evaluated: 2024-08-05. Review status: criteria provided, single submitter. Criteria: Ambry Variant Classification Scheme 2023. Collection method: clinical testing. Allele origin: germline.

Labcorp Genetics (formerly Invitae), Labcorp
Classification: Uncertain significance for Spastic paraplegia. Last evaluated: 2022-07-19. Review status: criteria provided, single submitter. Criteria: Invitae Variant Classification Sherloc (09022015). Collection method: clinical testing. Allele origin: germline.
Comment: In summary, the available evidence is currently insufficient to determine the role of this variant in disease. Therefore, it has been classified as a Variant of Uncertain Significance. Advanced modeling of protein sequence and biophysical properties (such as structural, functional, and spatial information, amino acid conservation, physicochemical variation, residue mobility, and thermodynamic stability) performed at Invitae indicates that this missense variant is not expected to disrupt CYP2U1 protein function. ClinVar contains an entry for this variant (Variation ID: 1042063). This variant has not been reported in the literature in individuals affected with CYP2U1-related conditions. This variant is present in population databases (no rsID available, gnomAD 0.002%). This sequence change replaces isoleucine, which is neutral and non-polar, with leucine, which is neutral and non-polar, at codon 158 of the CYP2U1 protein (p.Ile158Leu).